The following is an entry in ClinVar:

ClinVar aggregate classification (germline): Pathogenic (1 of 4 stars; one submission).

Conditions:
Familial cancer of breast. Also called: BREAST CANCER, FAMILIAL; Hereditary breast cancer; hereditary breast carcinoma. Identifiers: Orphanet 227535, MedGen C0346153, MONDO:0016419, OMIM 114480. Disease mechanism: loss of function.

Submission:

Myriad Genetics, Inc.
Classification: Pathogenic for Familial cancer of breast. Last evaluated: 2024-01-24. Review status: criteria provided, single submitter. Criteria: Myriad Autosomal Dominant, Autosomal Recessive and X-Linked Classification Criteria (2023). Collection method: clinical testing. Allele origin: unknown.
Comment: This variant is considered pathogenic. This variant creates a frameshift predicted to result in premature protein truncation.

NM_000051.4(ATM):c.4664_4665insATATATCTATATATAGGTTTTAGATCCTATATCTATATCTATATAGGATCTAAAAG (p.Ile1557_Thr1558insTyrIleTerTyrIle)

Gene: ATM (ATM serine/threonine kinase; plus strand). Cytogenetic location: 11q22.3.
Variant type: Insertion.
Coding change: c.4664_4665insATATATCTATATATAGGTTTTAGATCCTATATCTATATCTATATAGGATCTAAAAG on transcript NM_000051.4 (MANE Select); coding-DNA positions 4664 to 4665, ATATATCTATATATAGGTTTTAGATCCTATATCTATATCTATATAGGATCTAAAAG inserted.
Protein change: p.Ile1557_Thr1558insTyrIleTerTyrIle.
Molecular consequence: nonsense, inframe insertion.
Genome position: GRCh38: chr11:108,293,365-108,293,366. GRCh37 (hg19): chr11:108,164,092-108,164,093.
Other names: c.4664_4665insATATATCTATATATAGGTTTTAGATCCTATATCTATATCTATATAGGATCTAAAAG, p.Ile1557_Thr1558insTyrIleTerTyrIle (NM_001351834.2).
Identifiers: ClinVar variation 3148280 (VCV003148280.1), dbSNP rs2546930869, ClinGen allele CA2825001888.